The following is an entry in ClinVar:

ClinVar aggregate classification (germline): Likely pathogenic (0 of 4 stars; one submission).

Conditions:
CPLANE1-related disorder. Also called: CPLANE1-related condition.

Submission:

PreventionGenetics, part of Exact Sciences
Classification: Likely pathogenic for CPLANE1-related condition. Last evaluated: 2024-02-23. Review status: no assertion criteria provided. Collection method: clinical testing. Allele origin: germline.
Comment: The CPLANE1 c.6867T>A variant is predicted to result in premature protein termination (p.Tyr2289*). To our knowledge, this variant has not been reported in the literature or in a large population database, indicating this variant is rare. Nonsense variants in CPLANE1 are expected to be pathogenic. This variant is interpreted as likely pathogenic.

NM_001384732.1(CPLANE1):c.6867T>A (p.Tyr2289Ter)

Gene: CPLANE1 (ciliogenesis and planar polarity effector complex subunit 1; minus strand). Cytogenetic location: 5p13.2.
Variant type: single nucleotide variant.
Coding change: c.6867T>A on transcript NM_001384732.1 (MANE Select); coding-DNA position 6867, T replaced by A.
Protein change: p.Tyr2289Ter; replaces tyrosine 2289 with a stop codon.
Molecular consequence: nonsense.
Genome position (GRCh38, 1-based): chr5:37,169,157, A>T on the plus strand (T>A on the coding strand, the complement: CPLANE1 is on the minus strand). VCF-style: chr5-37169157-A-T. GRCh37 (hg19) VCF-style: chr5-37169259-A-T.
Other names: c.6867T>A, p.Tyr2289Ter (NM_023073.4); short protein forms Y2289*.
Identifiers: ClinVar variation 3061268 (VCV003061268.2), dbSNP rs2547569603, ClinGen allele CA359479534.